The following is an entry in ClinVar:

NM_139057.4(ADAMTS17):c.*692G>C

Gene: ADAMTS17 (ADAM metallopeptidase with thrombospondin type 1 motif 17; minus strand). Cytogenetic location: 15q26.3.
Variant type: single nucleotide variant.
Coding change: c.*692G>C on transcript NM_139057.4 (MANE Select); 692 bases downstream of the stop codon, G replaced by C.
Molecular consequence: 3 prime UTR variant.
Genome position (GRCh38, 1-based): chr15:99,973,710, C>G on the plus strand (G>C on the coding strand, the complement: ADAMTS17 is on the minus strand). VCF-style: chr15-99973710-C-G. GRCh37 (hg19) VCF-style: chr15-100513915-C-G.
Identifiers: ClinVar variation 315217 (VCV000315217.5), dbSNP rs187035332, ClinGen allele CA10642856.

ClinVar aggregate classification (germline): Benign (1 of 4 stars; one submission).

Conditions:
Weill-Marchesani 4 syndrome, recessive. Also called: Weill-Marchesani syndrome 4. Identifiers: Orphanet 363992, MedGen C2750787, MONDO:0013176, OMIM 613195.

Allele frequency attached by ClinVar (database versions not stated): gnomAD 0.00036 and 0.00145; TOPMed 0.00061; gnomAD exomes 0.00099; 1000 Genomes Project 0.00719; 1000 Genomes Project 30x 0.00812.
gnomAD v4.1: 224 of 156,560 alleles (0.14%); highest among the groups gnomAD compares: South Asian, 3.3%; 2 homozygotes.

Submission:

Illumina Laboratory Services, Illumina
Classification: Benign for Weill-Marchesani 4 syndrome, recessive. Last evaluated: 2018-01-13. Review status: criteria provided, single submitter. Criteria: ICSL Variant Classification Criteria 13 December 2019. Collection method: clinical testing. Allele origin: germline.
Comment: This variant was observed in the ICSL laboratory as part of a predisposition screen in an ostensibly healthy population. It had not been previously curated by ICSL or reported in the Human Gene Mutation Database (HGMD: prior to June 1st, 2018), and was therefore a candidate for classification through an automated scoring system. Utilizing variant allele frequency, disease prevalence and penetrance estimates, and inheritance mode, an automated score was calculated to assess if this variant is too frequent to cause the disease. Based on the score and internal cut-off values, a variant classified as benign is not then subjected to further curation. The score for this variant resulted in a classification of benign for this disease.